The following is an entry in ClinVar:

NM_012431.3(SEMA3E):c.1814G>T (p.Arg605Leu)

Gene: SEMA3E (semaphorin 3E; minus strand). Cytogenetic location: 7q21.11.
Variant type: single nucleotide variant.
Coding change: c.1814G>T on transcript NM_012431.3 (MANE Select); coding-DNA position 1814, G replaced by T.
Protein change: p.Arg605Leu; replaces arginine 605 with leucine.
Molecular consequence: missense variant.
Genome position (GRCh38, 1-based): chr7:83,385,355, C>A on the plus strand (G>T on the coding strand, the complement: SEMA3E is on the minus strand). VCF-style: chr7-83385355-C-A. GRCh37 (hg19) VCF-style: chr7-83014671-C-A.
Other names: c.1634G>T, p.Arg545Leu (NM_001178129.2); short protein forms R545L, R605L.
Identifiers: ClinVar variation 3350967 (VCV003350967.1).
Genomic context (GRCh38, chr7:83,385,355, plus strand): 5'-TCCTCTTTTCTTGTCTCACGTCCTTTCTGTACAAACCAGATAACTTTCGCTTGTAAAGAT[C>A]GTGGGGTACATTCCAGCAAAGTACTGTTGTTCTCTATGCCATAAGCCAGATGTTCTTCAG-3'
Protein context (NP_036563.1, residues 595-615): NNSTLLECTP[Arg605Leu]SLQAKVIWFV

ClinVar aggregate classification (germline): Uncertain significance (0 of 4 stars; one submission).

Conditions:
SEMA3E-related disorder. Also called: SEMA3E-related condition.

gnomAD v4.1: 14 of 1,613,368 alleles (0.00087%); highest among the groups gnomAD compares: Admixed American, 0.0017%; no homozygotes.

Submission:

PreventionGenetics, part of Exact Sciences
Classification: Uncertain significance for SEMA3E-related condition. Last evaluated: 2024-09-03. Review status: no assertion criteria provided. Collection method: clinical testing. Allele origin: germline.
Comment: The SEMA3E c.1814G>T variant is predicted to result in the amino acid substitution p.Arg605Leu. To our knowledge, this variant has not been reported in the literature. This variant is reported in 0.0033% of alleles in individuals of South Asian descent in gnomAD. At this time, the clinical significance of this variant is uncertain due to the absence of conclusive functional and genetic evidence.